The following is an entry in ClinVar:

NM_000817.3(GAD1):c.1159C>T (p.Arg387Cys)

Gene: GAD1 (glutamate decarboxylase 1; plus strand). Cytogenetic location: 2q31.1.
Variant type: single nucleotide variant.
Coding change: c.1159C>T on transcript NM_000817.3 (MANE Select); coding-DNA position 1159, C replaced by T.
Protein change: p.Arg387Cys; replaces arginine 387 with cysteine.
Molecular consequence: missense variant.
Genome position (GRCh38, 1-based): chr2:170,849,325, C>T. VCF-style: chr2-170849325-C-T. GRCh37 (hg19) VCF-style: chr2-171705835-C-T.
Other names: short protein forms R387C.
Identifiers: ClinVar variation 1963350 (VCV001963350.5), dbSNP rs762639802, ClinGen allele CA1962872.

ClinVar aggregate classification (germline): Uncertain significance (1 of 4 stars; one submission).

Conditions:
Neurodevelopmental disorder with progressive spasticity and brain white matter abnormalities. Also called: CEREBRAL PALSY, SPASTIC QUADRIPLEGIC, 1. Identifiers: Orphanet 210141, Orphanet 641353, MedGen C5436628, MONDO:0033613, OMIM 619026.

Allele frequency attached by ClinVar (database versions not stated): ExAC 0.00001; gnomAD 0.00001; gnomAD exomes 0.00001; TOPMed 0.00001.

Submission:

Labcorp Genetics (formerly Invitae), Labcorp
Classification: Uncertain significance for Neurodevelopmental disorder with progressive spasticity and brain white matter abnormalities. Last evaluated: 2022-07-15. Review status: criteria provided, single submitter. Criteria: Invitae Variant Classification Sherloc (09022015). Collection method: clinical testing. Allele origin: germline.
Comment: This sequence change replaces arginine, which is basic and polar, with cysteine, which is neutral and slightly polar, at codon 387 of the GAD1 protein (p.Arg387Cys). This variant is present in population databases (rs762639802, gnomAD 0.01%). This variant has not been reported in the literature in individuals affected with GAD1-related conditions. Algorithms developed to predict the effect of missense changes on protein structure and function are either unavailable or do not agree on the potential impact of this missense change (SIFT: "Deleterious"; PolyPhen-2: "Benign"; Align-GVGD: "Class C65"). In summary, the available evidence is currently insufficient to determine the role of this variant in disease. Therefore, it has been classified as a Variant of Uncertain Significance.